The following is an entry in ClinVar:

ClinVar aggregate classification (germline): Uncertain significance (1 of 4 stars; one submission).

Submission:

GeneDx
Classification: Uncertain significance. Last evaluated: 2024-05-30. Review status: criteria provided, single submitter. Criteria: GeneDx Variant Classification Process June 2021. Collection method: clinical testing. Allele origin: germline. Affected: yes.
Comment: Not observed at significant frequency in large population cohorts (gnomAD); In silico analysis indicates that this missense variant does not alter protein structure/function; Has not been previously published as pathogenic or benign to our knowledge

NM_014254.3(RXYLT1):c.77A>C (p.His26Pro)

Gene: RXYLT1 (ribitol xylosyltransferase 1; plus strand). Cytogenetic location: 12q14.2.
Variant type: single nucleotide variant.
Coding change: c.77A>C on transcript NM_014254.3 (MANE Select); coding-DNA position 77, A replaced by C.
Protein change: p.His26Pro; replaces histidine 26 with proline.
Molecular consequence: missense variant. On other transcripts: 5 prime UTR variant (1).
Genome position (GRCh38, 1-based): chr12:63,780,037, A>C. VCF-style: chr12-63780037-A-C. GRCh37 (hg19) VCF-style: chr12-64173817-A-C.
Other names: c.-1037A>C (NM_001278237.2); short protein forms H26P.
Identifiers: ClinVar variation 3383447 (VCV003383447.1).